The following is an entry in ClinVar:

NM_020778.5(ALPK3):c.4019A>G (p.Asp1340Gly)

Gene: ALPK3 (alpha kinase 3; plus strand). Cytogenetic location: 15q25.3.
Variant type: single nucleotide variant.
Coding change: c.4019A>G on transcript NM_020778.5 (MANE Select); coding-DNA position 4019, A replaced by G.
Protein change: p.Asp1340Gly; replaces aspartic acid 1340 with glycine.
Molecular consequence: missense variant.
Genome position (GRCh38, 1-based): chr15:84,859,829, A>G. VCF-style: chr15-84859829-A-G. GRCh37 (hg19) VCF-style: chr15-85403060-A-G.
Other names: short protein forms D1340G.
Identifiers: ClinVar variation 2010458 (VCV002010458.5), dbSNP rs1314276646, ClinGen allele CA393361899.

ClinVar aggregate classification (germline): Conflicting classifications of pathogenicity. Review status: criteria provided, conflicting classifications (1 of 4 stars). 2 submissions from 2 submitters: Likely pathogenic (1); Uncertain significance (1). Last evaluated 2024-07-08.

Conditions:
Cardiomyopathy, familial hypertrophic 27. Identifiers: MedGen C4748014, MONDO:0054838, OMIM 618052.

gnomAD v4.1: 4 of 1,613,980 alleles (0.00025%); highest among the groups gnomAD compares: South Asian, 0.0044%; no homozygotes.

Submissions (2):

Labcorp Genetics (formerly Invitae), Labcorp
Classification: Uncertain significance. Last evaluated: 2024-07-08. Review status: criteria provided, single submitter. Criteria: Invitae Variant Classification Sherloc (09022015). Collection method: clinical testing. Allele origin: germline.
Comment: This sequence change replaces aspartic acid, which is acidic and polar, with glycine, which is neutral and non-polar, at codon 1542 of the ALPK3 protein (p.Asp1542Gly). This variant is present in population databases (no rsID available, gnomAD 0.006%). This variant has not been reported in the literature in individuals affected with ALPK3-related conditions. ClinVar contains an entry for this variant (Variation ID: 2010458). An algorithm developed to predict the effect of missense changes on protein structure and function (PolyPhen-2) suggests that this variant is likely to be disruptive. Algorithms developed to predict the effect of sequence changes on RNA splicing suggest that this variant may create or strengthen a splice site. In summary, the available evidence is currently insufficient to determine the role of this variant in disease. Therefore, it has been classified as a Variant of Uncertain Significance.

Rajaie Cardiovascular, Medical and Research Center, Iran University of Medical Sciences
Classification: Likely pathogenic for Cardiomyopathy, familial hypertrophic 27. Review status: criteria provided, single submitter. Criteria: ACMG Guidelines, 2015. Collection method: research. Allele origin: germline. Inheritance: Autosomal recessive inheritance. Affected: yes. Observed: 1 variant allele, 1 homozygote.